The following is an entry in ClinVar:

NM_002880.3(RAF1):c.(?_-26)-50_(1370_?)+72dup

Gene: RAF1 (Raf-1 proto-oncogene, serine/threonine kinase; minus strand). Cytogenetic location: 3p25.2.
Variant type: Duplication.
Other names: c.(?_-26-50)_(1370+72_?)dup (LRG_413t1).
Identifiers: ClinVar variation 229174 (VCV000229174.5).

ClinVar aggregate classification (germline): Uncertain significance (1 of 4 stars; one submission).

Submission:

Laboratory for Molecular Medicine, Mass General Brigham Personalized Medicine
Classification: Uncertain significance. Last evaluated: 2016-03-02. Review status: criteria provided, single submitter. Criteria: LMM Criteria. Collection method: clinical testing. Allele origin: germline. Observed: 1 variant allele.
Comment: The c.(?_-26-50)_(1370+72_?) variant on chromosome 3 results in a duplication wh ich spans at least exons 2-12 in RAF1. This variant has not been previously repo rted in individuals with cardiac phenotypes although other copy number changes i nvolving the RAF1 gene have been reported in the general population (database of genomic variants) as well as individuals with developmental delay (.). In summary, the clinical significance of the c.(?_-26-50)_ (1370+72_?) variant is uncertain.

Literature cited by the submitters: PubMed 21841781; PubMed 19166990; PubMed 25217958; PubMed 22786616.